The following is an entry in ClinVar:

NM_001006658.3(CR2):c.1962A>G (p.Ile654Met)

Gene: CR2 (complement C3d receptor 2; plus strand). Cytogenetic location: 1q32.2.
Variant type: single nucleotide variant.
Coding change: c.1962A>G on transcript NM_001006658.3 (MANE Select); coding-DNA position 1962, A replaced by G.
Protein change: p.Ile654Met; replaces isoleucine 654 with methionine.
Molecular consequence: missense variant.
Genome position (GRCh38, 1-based): chr1:207,473,163, A>G. VCF-style: chr1-207473163-A-G. GRCh37 (hg19) VCF-style: chr1-207646508-A-G.
Other names: c.1962A>G, p.Ile654Met (NM_001877.5); short protein forms I654M.
Identifiers: ClinVar variation 581804 (VCV000581804.6), dbSNP rs376587591, ClinGen allele CA1368829.
Genomic context (GRCh38, chr1:207,473,163, plus strand): 5'-TACTTTGAAGGGCAGTAGTCAGATTCGTTGCAAAGCTGATAACACCTGGGATCCTGAAAT[A>G]CCAGTTTGTGAAAAAGGTAAAAACCCAATAAGGGGGAAAAAAGGAGAGATTTACTTAATT-3'
Protein context (NP_001006659.1, residues 644-664): CKADNTWDPE[Ile654Met]PVCEKGCQSP

ClinVar aggregate classification (germline): Uncertain significance (1 of 4 stars; one submission).

Conditions:
Immunodeficiency, common variable, 7. Identifiers: Orphanet 1572, Orphanet 696894, MedGen C3542922, MONDO:0013862, OMIM 614699.

Allele frequency attached by ClinVar (database versions not stated): gnomAD exomes below 0.00001; ExAC 0.00001; TOPMed 0.00001; ESP Exome Variant Server 0.00008; gnomAD 0.00002.
gnomAD v4.1: 7 of 1,613,750 alleles (0.00043%); highest among the groups gnomAD compares: African/African-American, 0.0013%; no homozygotes.

Submission:

Labcorp Genetics (formerly Invitae), Labcorp
Classification: Uncertain significance for Immunodeficiency, common variable, 7. Last evaluated: 2021-08-31. Review status: criteria provided, single submitter. Criteria: Invitae Variant Classification Sherloc (09022015). Collection method: clinical testing. Allele origin: germline.
Comment: This sequence change replaces isoleucine with methionine at codon 654 of the CR2 protein (p.Ile654Met). The isoleucine residue is moderately conserved and there is a small physicochemical difference between isoleucine and methionine. This variant is present in population databases (rs376587591, ExAC 0.01%). This variant has not been reported in the literature in individuals affected with CR2-related conditions. Algorithms developed to predict the effect of missense changes on protein structure and function (SIFT, PolyPhen-2, Align-GVGD) all suggest that this variant is likely to be tolerated. In summary, the available evidence is currently insufficient to determine the role of this variant in disease. Therefore, it has been classified as a Variant of Uncertain Significance.